The following is an entry in ClinVar:

ClinVar aggregate classification (germline): Uncertain significance (1 of 4 stars; one submission).

Conditions:
Hereditary cancer-predisposing syndrome. Also called: Neoplastic Syndromes, Hereditary; Hereditary Cancer Syndrome; Tumor predisposition; Hereditary neoplastic syndrome. Identifiers: Orphanet 140162, MedGen C0027672, MeSH D009386, MONDO:0015356.

Submission:

Labcorp Genetics (formerly Invitae), Labcorp
Classification: Uncertain significance for Hereditary cancer-predisposing syndrome. Last evaluated: 2021-12-11. Review status: criteria provided, single submitter. Criteria: Invitae Variant Classification Sherloc (09022015). Collection method: clinical testing. Allele origin: germline.
Comment: This variant is not present in population databases (gnomAD no frequency). This variant has not been reported in the literature in individuals affected with RAD50-related conditions. Algorithms developed to predict the effect of missense changes on protein structure and function are either unavailable or do not agree on the potential impact of this missense change (SIFT: "Tolerated"; PolyPhen-2: "Probably Damaging"; Align-GVGD: "Class C0"). In summary, the available evidence is currently insufficient to determine the role of this variant in disease. Therefore, it has been classified as a Variant of Uncertain Significance. This sequence change replaces lysine, which is basic and polar, with arginine, which is basic and polar, at codon 112 of the RAD50 protein (p.Lys112Arg).

NM_005732.4(RAD50):c.335A>G (p.Lys112Arg)

Gene: RAD50 (RAD50 double strand break repair protein; plus strand). Cytogenetic location: 5q31.1.
Variant type: single nucleotide variant.
Coding change: c.335A>G on transcript NM_005732.4 (MANE Select); coding-DNA position 335, A replaced by G.
Protein change: p.Lys112Arg; replaces lysine 112 with arginine.
Molecular consequence: missense variant.
Genome position (GRCh38, 1-based): chr5:132,575,898, A>G. VCF-style: chr5-132575898-A-G. GRCh37 (hg19) VCF-style: chr5-131911590-A-G.
Other names: short protein forms K112R.
Identifiers: ClinVar variation 2039873 (VCV002039873.4), dbSNP rs2479608453, ClinGen allele CA360931324.